The following is an entry in ClinVar:

ClinVar aggregate classification (germline): Benign. Review status: criteria provided, multiple submitters, no conflicts (2 of 4 stars). 2 submissions from 2 submitters: Benign (2). Last evaluated 2018-06-14.

Allele frequency attached by ClinVar (database versions not stated): gnomAD exomes 0.99356; TOPMed 0.99458; gnomAD 0.99490 and 0.99533; 1000 Genomes Project 30x 0.99750; 1000 Genomes Project 0.99780.
gnomAD v4.1: 1,018,967 of 1,025,314 alleles (99%); highest among the groups gnomAD compares: East Asian, 100%; 506,348 homozygotes.

Submissions (8):

GeneDx
Classification: Benign. Last evaluated: 2018-06-14. Review status: criteria provided, single submitter. Criteria: GeneDx Variant Classification (06012015). Collection method: clinical testing. Allele origin: germline. Affected: yes.
Comment: This variant is considered likely benign or benign based on one or more of the following criteria: it is a conservative change, it occurs at a poorly conserved position in the protein, it is predicted to be benign by multiple in silico algorithms, and/or has population frequency not consistent with disease.

Breakthrough Genomics
Classification: Benign. Review status: criteria provided, single submitter. Criteria: ACMG Guidelines, 2015. Collection method: not provided. Allele origin: germline. Inheritance: Autosomal dominant inheritance. Affected: yes.

Dr. Peter K. Rogan Lab, Western University
No classification provided (evidence only). Condition: Hepatocellular carcinoma. Review status: no classification provided. Collection method: in vitro. Allele origin: not applicable. Functional consequence: skipped exon. Not counted in ClinVar's aggregate classification.

Dr. Peter K. Rogan Lab, Western University
No classification provided (evidence only). Condition: Cholangiocarcinoma. Review status: no classification provided. Collection method: in vitro. Allele origin: not applicable. Functional consequence: retained intron. Not counted in ClinVar's aggregate classification.

Dr. Peter K. Rogan Lab, Western University
No classification provided (evidence only). Condition: Cholangiocarcinoma. Review status: no classification provided. Collection method: in vitro. Allele origin: not applicable. Functional consequence: retained intron. Not counted in ClinVar's aggregate classification.

Dr. Peter K. Rogan Lab, Western University
No classification provided (evidence only). Condition: Cholangiocarcinoma. Review status: no classification provided. Collection method: in vitro. Allele origin: not applicable. Functional consequence: retained intron. Not counted in ClinVar's aggregate classification.

Dr. Peter K. Rogan Lab, Western University
No classification provided (evidence only). Condition: Cholangiocarcinoma. Review status: no classification provided. Collection method: in vitro. Allele origin: not applicable. Functional consequence: retained intron. Not counted in ClinVar's aggregate classification.

Dr. Peter K. Rogan Lab, Western University
No classification provided (evidence only). Condition: Cholangiocarcinoma. Review status: no classification provided. Collection method: in vitro. Allele origin: not applicable. Functional consequence: retained intron. Not counted in ClinVar's aggregate classification.

NM_005619.5(RTN2):c.1242-137A>G

Genes: OPA3-RTN2 (OPA3-RTN2 readthrough; minus strand), RTN2 (reticulon 2; minus strand). Cytogenetic location: 19q13.32.
Variant type: single nucleotide variant.
Coding change: c.1242-137A>G on transcript NM_005619.5 (MANE Select); 137 bases into the intron before coding-DNA position 1242, A replaced by G.
Molecular consequence: intron variant.
Genome position (GRCh38, 1-based): chr19:45,489,123, T>C on the plus strand (A>G on the coding strand, the complement: RTN2 is on the minus strand). VCF-style: chr19-45489123-T-C. GRCh37 (hg19) VCF-style: chr19-45992381-T-C.
Other names: NC_000019.9:g.45992381T>C; c.1023-137A>G (NM_206900.3); c.222-137A>G (NM_206901.3).
Identifiers: ClinVar variation 669143 (VCV000669143.3), dbSNP rs6509218, ClinGen allele CA308950049.